The following is an entry in ClinVar:

ClinVar aggregate classification (germline): Uncertain significance (1 of 4 stars; one submission).

Allele frequency attached by ClinVar (database versions not stated): gnomAD exomes below 0.00001; TOPMed 0.00001.
gnomAD v4.1: 5 of 1,610,048 alleles (0.00031%); highest among the groups gnomAD compares: Non-Finnish European, 0.00034%; no homozygotes.

Submission:

Labcorp Genetics (formerly Invitae), Labcorp
Classification: Uncertain significance. Last evaluated: 2023-11-01. Review status: criteria provided, single submitter. Criteria: Invitae Variant Classification Sherloc (09022015). Collection method: clinical testing. Allele origin: germline.
Comment: This sequence change replaces aspartic acid, which is acidic and polar, with histidine, which is basic and polar, at codon 677 of the DIAPH3 protein (p.Asp677His). This variant is present in population databases (no rsID available, gnomAD 0.002%). This variant has not been reported in the literature in individuals affected with DIAPH3-related conditions. An algorithm developed to predict the effect of missense changes on protein structure and function (PolyPhen-2) suggests that this variant is likely to be disruptive. In summary, the available evidence is currently insufficient to determine the role of this variant in disease. Therefore, it has been classified as a Variant of Uncertain Significance.

NM_001042517.2(DIAPH3):c.2029G>C (p.Asp677His)

Gene: DIAPH3 (diaphanous related formin 3; minus strand). Cytogenetic location: 13q21.2.
Variant type: single nucleotide variant.
Coding change: c.2029G>C on transcript NM_001042517.2 (MANE Select); coding-DNA position 2029, G replaced by C.
Protein change: p.Asp677His; replaces aspartic acid 677 with histidine.
Molecular consequence: missense variant.
Genome position (GRCh38, 1-based): chr13:59,969,989, C>G on the plus strand (G>C on the coding strand, the complement: DIAPH3 is on the minus strand). VCF-style: chr13-59969989-C-G. GRCh37 (hg19) VCF-style: chr13-60544123-C-G.
Other names: c.1996G>C, p.Asp666His (NM_001258366.2); c.1891G>C, p.Asp631His (NM_001258367.2); c.1819G>C, p.Asp607His (NM_001258368.2); c.2029G>C, p.Asp677His (NM_001258369.2); c.1240G>C, p.Asp414His (NM_001258370.2, NM_030932.4); short protein forms D666H, D414H, D607H, D631H, D677H.
Identifiers: ClinVar variation 3004768 (VCV003004768.3), dbSNP rs1452185400, ClinGen allele CA388330334.